The following is an entry in ClinVar:

NM_001018115.3(FANCD2):c.1948-6C>A

Genes: FANCD2 (FA complementation group D2; plus strand), LOC107303338 (3p25 FANCD2 Alu-mediated recombination region; plus strand). Cytogenetic location: 3p25.3.
Variant type: single nucleotide variant.
Coding change: c.1948-6C>A on transcript NM_001018115.3 (MANE Select); 6 bases into the intron before coding-DNA position 1948, C replaced by A.
Molecular consequence: intron variant.
Genome position (GRCh38, 1-based): chr3:10,064,350, C>A. VCF-style: chr3-10064350-C-A. GRCh37 (hg19) VCF-style: chr3-10106034-C-A.
Other names: c.1948-6C>A (NM_001319984.2, NM_033084.6, NM_001374254.1); c.1837-6C>A (NM_001374253.1).
Identifiers: ClinVar variation 929660 (VCV000929660.39), dbSNP rs779350241, ClinGen allele CA2249902.

ClinVar aggregate classification (germline): Pathogenic/Likely pathogenic. Review status: criteria provided, multiple submitters, no conflicts (2 of 4 stars). 4 submissions from 4 submitters: Pathogenic (2); Likely pathogenic (1). 1 of the submissions does not count toward it. Last evaluated 2024-03-25.

Conditions:
Fanconi anemia (FA). Also called: Fanconi's anemia. Identifiers: Orphanet 84, MedGen C0015625, MeSH D005199, MONDO:0019391.
Fanconi anemia complementation group D2. Also called: FANCD2-Related Fanconi Anemia; FANCONI PANCYTOPENIA, TYPE 4; FANCONI ANEMIA, COMPLEMENTATION GROUP D. Identifiers: Orphanet 84, MedGen C3160738, MONDO:0009214, OMIM 227646.

Allele frequency attached by ClinVar (database versions not stated): ExAC 0.00001; gnomAD exomes 0.00001; TOPMed 0.00001.
gnomAD v4.1: 3 of 1,599,706 alleles (0.00019%); highest among the groups gnomAD compares: Non-Finnish European, 0.00026%; no homozygotes.

Submissions (4):

GeneDx
Classification: Pathogenic. Last evaluated: 2024-03-25. Review status: criteria provided, single submitter. Criteria: GeneDx Variant Classification Process June 2021. Collection method: clinical testing. Allele origin: germline. Affected: yes.
Comment: Non-canonical splice site variant demonstrated to result in loss of function (PMID: 17436244); Not observed at significant frequency in large population cohorts (gnomAD); This variant is associated with the following publications: (PMID: 17436244)

Women's Health and Genetics/Laboratory Corporation of America, LabCorp
Classification: Pathogenic for Fanconi anemia. Last evaluated: 2022-07-21. Review status: criteria provided, single submitter. Criteria: LabCorp Variant Classification Summary - May 2015. Collection method: clinical testing. Allele origin: germline.
Comment: Variant summary: FANCD2 c.1948-6C>A alters a non-conserved nucleotide located close to a canonical splice site and therefore could affect mRNA splicing, leading to a significantly altered protein sequence. Several computational tools predict a significant impact on normal splicing: Three predict the variant weakens a 3 acceptor site and one predicts the variant abolishes a 3 acceptor site. Experimental evidence supports these predictions demonstrating that this variant affects mRNA splicing, leading to exon 22 skipping (Kalb_2007). The variant allele was found at a frequency of 1.2e-05 in 251134 control chromosomes (gnomAD). c.1948-6C>A has been reported in the literature in multiple compound heterozygous individuals affected with Fanconi Anemia, including two siblings (Kalb_2007). These data indicate that the variant is likely to be associated with disease. Two ClinVar submitters (evaluation after 2014) cite the variant as pathogenic/likely pathogenic. Based on the evidence outlined above, the variant was classified as pathogenic.

CeGaT Center for Human Genetics Tuebingen
Classification: Likely pathogenic. Last evaluated: 2021-06-01. Review status: criteria provided, single submitter. Criteria: CeGaT Center For Human Genetics Tuebingen Variant Classification Criteria Version 2. Collection method: clinical testing. Allele origin: germline. Affected: yes. Observed: 1 variant allele.

Leiden Open Variation Database
Classification: Pathogenic for Fanconi anemia complementation group D2. Last evaluated: 2020-02-28. Review status: no assertion criteria provided. Collection method: curation. Allele origin: germline. Affected: yes. Not counted in ClinVar's aggregate classification.
Comment: Curator: Arleen D. Auerbach. Submitter to LOVD: Arleen D. Auerbach.

Literature cited by the submitters: PubMed 17436244 (cited by Women's Health and Genetics/Laboratory Corporation of America, LabCorp and Leiden Open Variation Database).